The following is an entry in ClinVar:

NM_000321.3(RB1):c.2297C>T (p.Thr766Ile)

Gene: RB1 (RB transcriptional corepressor 1; plus strand). Cytogenetic location: 13q14.2.
Variant type: single nucleotide variant.
Coding change: c.2297C>T on transcript NM_000321.3 (MANE Select); coding-DNA position 2297, C replaced by T.
Protein change: p.Thr766Ile; replaces threonine 766 with isoleucine.
Molecular consequence: missense variant.
Genome position (GRCh38, 1-based): chr13:48,465,083, C>T. VCF-style: chr13-48465083-C-T. GRCh37 (hg19) VCF-style: chr13-49039219-C-T.
Other names: c.2297C>T (NM_000321.2); short protein forms T766I.
Identifiers: ClinVar variation 1427218 (VCV001427218.7), dbSNP rs1949431128, ClinGen allele CA388167675.

ClinVar aggregate classification (germline): Uncertain significance. Review status: criteria provided, multiple submitters, no conflicts (2 of 4 stars). 2 submissions from 2 submitters: Uncertain significance (2). Last evaluated 2026-01-20.

Conditions:
Hereditary cancer-predisposing syndrome. Also called: Neoplastic Syndromes, Hereditary; Tumor predisposition; Hereditary Cancer Syndrome; Hereditary neoplastic syndrome. Identifiers: Orphanet 140162, MedGen C0027672, MeSH D009386, MONDO:0015356.
Retinoblastoma (RB1). Also called: RETINOBLASTOMA, SOMATIC. Identifiers: Orphanet 790, MedGen C0035335, MeSH D012175, MONDO:0008380, OMIM 180200, HP:0009919. Disease mechanism: loss of function. Inheritance: Both sporadic and heritable forms are tested..

Allele frequency attached by ClinVar (database versions not stated): TOPMed 0.00001.

Submissions (2):

Ambry Genetics
Classification: Uncertain significance for Hereditary cancer-predisposing syndrome. Last evaluated: 2026-01-20. Review status: criteria provided, single submitter. Criteria: Ambry Variant Classification Scheme 2023. Collection method: clinical testing. Allele origin: germline.
Comment: The p.T766I variant (also known as c.2297C>T), located in coding exon 22 of the RB1 gene, results from a C to T substitution at nucleotide position 2297. The threonine at codon 766 is replaced by isoleucine, an amino acid with similar properties. This amino acid position is well conserved in available vertebrate species. In addition, this alteration is predicted to be deleterious by in silico analysis. Based on the available evidence, the clinical significance of this variant remains unclear.

Labcorp Genetics (formerly Invitae), Labcorp
Classification: Uncertain significance for Retinoblastoma. Last evaluated: 2023-07-07. Review status: criteria provided, single submitter. Criteria: Invitae Variant Classification Sherloc (09022015). Collection method: clinical testing. Allele origin: germline.
Comment: This variant is not present in population databases (gnomAD no frequency). Advanced modeling of protein sequence and biophysical properties (such as structural, functional, and spatial information, amino acid conservation, physicochemical variation, residue mobility, and thermodynamic stability) performed at Invitae indicates that this missense variant is expected to disrupt RB1 protein function. ClinVar contains an entry for this variant (Variation ID: 1427218). This variant has not been reported in the literature in individuals affected with RB1-related conditions. In summary, the available evidence is currently insufficient to determine the role of this variant in disease. Therefore, it has been classified as a Variant of Uncertain Significance. This sequence change replaces threonine, which is neutral and polar, with isoleucine, which is neutral and non-polar, at codon 766 of the RB1 protein (p.Thr766Ile).